The following is an entry in ClinVar:

ClinVar aggregate classification (germline): Uncertain significance (1 of 4 stars; one submission).

Submission:

Labcorp Genetics (formerly Invitae), Labcorp
Classification: Uncertain significance. Last evaluated: 2021-08-24. Review status: criteria provided, single submitter. Criteria: Invitae Variant Classification Sherloc (09022015). Collection method: clinical testing. Allele origin: germline.
Comment: This variant has not been reported in the literature in individuals affected with CDH2-related conditions. This variant is not present in population databases (ExAC no frequency). This sequence change replaces glycine with glutamic acid at codon 283 of the CDH2 protein (p.Gly283Glu). The glycine residue is highly conserved and there is a moderate physicochemical difference between glycine and glutamic acid. Algorithms developed to predict the effect of missense changes on protein structure and function are either unavailable or do not agree on the potential impact of this missense change (SIFT: "Deleterious"; PolyPhen-2: "Possibly Damaging"; Align-GVGD: "Class C0"). Algorithms developed to predict the effect of sequence changes on RNA splicing suggest that this variant may disrupt the consensus splice site. In summary, the available evidence is currently insufficient to determine the role of this variant in disease. Therefore, it has been classified as a Variant of Uncertain Significance.

NM_001792.5(CDH2):c.848G>A (p.Gly283Glu)

Gene: CDH2 (cadherin 2; minus strand). Cytogenetic location: 18q12.1.
Variant type: single nucleotide variant.
Coding change: c.848G>A on transcript NM_001792.5 (MANE Select); coding-DNA position 848, G replaced by A.
Protein change: p.Gly283Glu; replaces glycine 283 with glutamic acid.
Molecular consequence: missense variant.
Genome position (GRCh38, 1-based): chr18:28,003,169, C>T on the plus strand (G>A on the coding strand, the complement: CDH2 is on the minus strand). VCF-style: chr18-28003169-C-T. GRCh37 (hg19) VCF-style: chr18-25583133-C-T.
Other names: c.755G>A, p.Gly252Glu (NM_001308176.2); short protein forms G252E, G283E.
Identifiers: ClinVar variation 1361686 (VCV001361686.8), dbSNP rs2144010544, ClinGen allele CA402243028.